The following is an entry in ClinVar:

NM_133459.4(CCBE1):c.*4498T>C

Gene: CCBE1 (collagen and calcium binding EGF domains 1; minus strand). Cytogenetic location: 18q21.32.
Variant type: single nucleotide variant.
Coding change: c.*4498T>C on transcript NM_133459.4 (MANE Select); 4498 bases downstream of the stop codon, T replaced by C.
Molecular consequence: 3 prime UTR variant.
Genome position (GRCh38, 1-based): chr18:59,431,410, A>G on the plus strand (T>C on the coding strand, the complement: CCBE1 is on the minus strand). VCF-style: chr18-59431410-A-G. GRCh37 (hg19) VCF-style: chr18-57098642-A-G.
Other names: c.*4498T>C (LRG_1209t1).
Identifiers: ClinVar variation 327595 (VCV000327595.5), dbSNP rs146222689, ClinGen allele CA10651231.

ClinVar aggregate classification (germline): Likely benign (1 of 4 stars; one submission).

Conditions:
Hennekam lymphangiectasia-lymphedema syndrome 1 (HKLLS1). Also called: LYMPHATIC DYSPLASIA, GENERALIZED. Identifiers: Orphanet 2136, MedGen C4012050, MONDO:0009337, OMIM 235510.

Allele frequency attached by ClinVar (database versions not stated): 1000 Genomes Project 30x 0.00203; gnomAD 0.00227 and 0.00247; 1000 Genomes Project 0.00240; TOPMed 0.00253.

Submission:

Illumina Laboratory Services, Illumina
Classification: Likely benign for Hennekam lymphangiectasia-lymphedema syndrome 1. Last evaluated: 2018-01-13. Review status: criteria provided, single submitter. Criteria: ICSL Variant Classification Criteria 13 December 2019. Collection method: clinical testing. Allele origin: germline.
Comment: This variant was observed in the ICSL laboratory as part of a predisposition screen in an ostensibly healthy population. It had not been previously curated by ICSL or reported in the Human Gene Mutation Database (HGMD: prior to June 1st, 2018), and was therefore a candidate for classification through an automated scoring system. Utilizing variant allele frequency, disease prevalence and penetrance estimates, and inheritance mode, an automated score was calculated to assess if this variant is too frequent to cause the disease. Based on the score and internal cut-off values, a variant classified as likely benign is not then subjected to further curation. The score for this variant resulted in a classification of likely benign for this disease.